The following is an entry in ClinVar:

NM_020964.3(EPG5):c.1664A>T (p.Glu555Val)

Gene: EPG5 (ectopic P-granules 5 autophagy tethering factor; minus strand). Cytogenetic location: 18q21.1.
Variant type: single nucleotide variant.
Coding change: c.1664A>T on transcript NM_020964.3 (MANE Select); coding-DNA position 1664, A replaced by T.
Protein change: p.Glu555Val; replaces glutamic acid 555 with valine.
Molecular consequence: missense variant.
Genome position (GRCh38, 1-based): chr18:45,946,676, T>A on the plus strand (A>T on the coding strand, the complement: EPG5 is on the minus strand). VCF-style: chr18-45946676-T-A. GRCh37 (hg19) VCF-style: chr18-43526642-T-A.
Other names: short protein forms E555V.
Identifiers: ClinVar variation 1516045 (VCV001516045.7), dbSNP rs2050789196, ClinGen allele CA402348871.

ClinVar aggregate classification (germline): Uncertain significance (1 of 4 stars; one submission).

Conditions:
Vici syndrome (VICIS). Identifiers: Orphanet 1493, MedGen C1855772, MONDO:0009452, OMIM 242840.

Allele frequency attached by ClinVar (database versions not stated): TOPMed below 0.00001.

Submission:

Labcorp Genetics (formerly Invitae), Labcorp
Classification: Uncertain significance for Vici syndrome. Last evaluated: 2023-05-08. Review status: criteria provided, single submitter. Criteria: Invitae Variant Classification Sherloc (09022015). Collection method: clinical testing. Allele origin: germline.
Comment: This sequence change replaces glutamic acid, which is acidic and polar, with valine, which is neutral and non-polar, at codon 555 of the EPG5 protein (p.Glu555Val). This variant is not present in population databases (gnomAD no frequency). This variant has not been reported in the literature in individuals affected with EPG5-related conditions. ClinVar contains an entry for this variant (Variation ID: 1516045). Advanced modeling of protein sequence and biophysical properties (such as structural, functional, and spatial information, amino acid conservation, physicochemical variation, residue mobility, and thermodynamic stability) performed at Invitae indicates that this missense variant is expected to disrupt EPG5 protein function. In summary, the available evidence is currently insufficient to determine the role of this variant in disease. Therefore, it has been classified as a Variant of Uncertain Significance.